The following is an entry in ClinVar:

ClinVar aggregate classification (germline): Uncertain significance (1 of 4 stars; one submission).

Conditions:
Brugada syndrome 5 (BRGDA5). Identifiers: Orphanet 130, Orphanet 871, MedGen C2748541, MONDO:0013015, OMIM 612838.

gnomAD v4.1: 1 of 1,614,118 alleles (0.000062%); highest among the groups gnomAD compares: African/African-American, 0.0013%; no homozygotes.

Submission:

Labcorp Genetics (formerly Invitae), Labcorp
Classification: Uncertain significance for Brugada syndrome 5. Last evaluated: 2026-01-24. Review status: criteria provided, single submitter. Criteria: Invitae Variant Classification Sherloc (09022015). Collection method: clinical testing. Allele origin: germline.
Comment: This sequence change replaces serine, which is neutral and polar, with arginine, which is basic and polar, at codon 47 of the SCN1B protein (p.Ser47Arg). This variant is not present in population databases (gnomAD no frequency). This variant has not been reported in the literature in individuals affected with SCN1B-related conditions. An algorithm developed to predict the effect of missense changes on protein structure and function (PolyPhen-2) suggests that this variant is likely to be disruptive. In summary, the available evidence is currently insufficient to determine the role of this variant in disease. Therefore, it has been classified as a Variant of Uncertain Significance.

NM_001037.5(SCN1B):c.141C>G (p.Ser47Arg)

Gene: SCN1B (sodium voltage-gated channel beta subunit 1; plus strand). Cytogenetic location: 19q13.11.
Variant type: single nucleotide variant.
Coding change: c.141C>G on transcript NM_001037.5 (MANE Select); coding-DNA position 141, C replaced by G.
Protein change: p.Ser47Arg; replaces serine 47 with arginine.
Molecular consequence: missense variant.
Genome position (GRCh38, 1-based): chr19:35,032,628, C>G. VCF-style: chr19-35032628-C-G. GRCh37 (hg19) VCF-style: chr19-35523532-C-G.
Other names: c.42C>G, p.Ser14Arg (NM_001321605.2); c.141C>G, p.Ser47Arg (NM_199037.5); short protein forms S14R, S47R.
Identifiers: ClinVar variation 4746168 (VCV004746168.1).